The following is an entry in ClinVar:

NM_022114.4(PRDM16):c.2215C>G (p.Pro739Ala)

Gene: PRDM16 (PR/SET domain 16; plus strand). Cytogenetic location: 1p36.32.
Variant type: single nucleotide variant.
Coding change: c.2215C>G on transcript NM_022114.4 (MANE Select); coding-DNA position 2215, C replaced by G.
Protein change: p.Pro739Ala; replaces proline 739 with alanine.
Molecular consequence: missense variant.
Genome position (GRCh38, 1-based): chr1:3,412,412, C>G. VCF-style: chr1-3412412-C-G. GRCh37 (hg19) VCF-style: chr1-3328976-C-G.
Other names: c.2215C>G, p.Pro739Ala (NM_199454.3); short protein forms P739A.
Identifiers: ClinVar variation 451225 (VCV000451225.2), dbSNP rs1553176925, ClinGen allele CA337999921.
Genomic context (GRCh38, chr1:3,412,412, plus strand): 5'-CTCCCCTACCACTCGGCGTTCCCCTTCCAGTTCCTGCCCAACTTCCCCCACTCCCTTTAC[C>G]CCTTCACGGACCGAGCCCTCGCCCACAACTTGCTGGTCAAGGCCGAGCCAAAGTCACCCC-3'
Protein context (NP_071397.3, residues 729-749): FLPNFPHSLY[Pro739Ala]FTDRALAHNL

ClinVar aggregate classification (germline): Uncertain significance (1 of 4 stars; one submission).

Submission:

GeneDx
Classification: Uncertain significance. Last evaluated: 2017-08-14. Review status: criteria provided, single submitter. Criteria: GeneDx Variant Classification (06012015). Collection method: clinical testing. Allele origin: germline. Affected: yes.
Comment: A variant of uncertain significance has been identified in the PRDM16 gene. The P739A variant has not been published as pathogenic or been reported as benign to our knowledge. This variant is not observed in large population cohorts (Lek et al., 2016; 1000 Genomes Consortium et al., 2015; Exome Variant Server). The P739A variant is a semi-conservative amino acid substitution, which may impact secondary protein structure as these residues differ in some properties. This substitution occurs at a position that is conserved across species across species, and in silico analysis predicts this variant is probably damaging to the protein structure/function. However, this variant lacks observation in a significant number of affected individuals, segregation data, and functional evidence, which would further clarify its pathogenicity.